The following is an entry in ClinVar:

ClinVar aggregate classification (germline): Uncertain significance (1 of 4 stars; one submission).

Allele frequency attached by ClinVar (database versions not stated): gnomAD exomes below 0.00001; TOPMed 0.00002.
gnomAD v4.1: 3 of 1,609,412 alleles (0.00019%); highest among the groups gnomAD compares: Non-Finnish European, 0.00026%; no homozygotes.

Submission:

Labcorp Genetics (formerly Invitae), Labcorp
Classification: Uncertain significance. Last evaluated: 2022-11-02. Review status: criteria provided, single submitter. Criteria: Invitae Variant Classification Sherloc (09022015). Collection method: clinical testing. Allele origin: germline.
Comment: In summary, the available evidence is currently insufficient to determine the role of this variant in disease. Therefore, it has been classified as a Variant of Uncertain Significance. Algorithms developed to predict the effect of missense changes on protein structure and function output the following: SIFT: "Tolerated"; PolyPhen-2: "Possibly Damaging"; Align-GVGD: "Class C0". The serine amino acid residue is found in multiple mammalian species, which suggests that this missense change does not adversely affect protein function. This variant has not been reported in the literature in individuals affected with ADGRE2-related conditions. This variant is not present in population databases (gnomAD no frequency). This sequence change replaces asparagine, which is neutral and polar, with serine, which is neutral and polar, at codon 718 of the ADGRE2 protein (p.Asn718Ser).

NM_013447.4(ADGRE2):c.2153A>G (p.Asn718Ser)

Gene: ADGRE2 (adhesion G protein-coupled receptor E2; minus strand). Cytogenetic location: 19p13.12.
Variant type: single nucleotide variant.
Coding change: c.2153A>G on transcript NM_013447.4 (MANE Select); coding-DNA position 2153, A replaced by G.
Protein change: p.Asn718Ser; replaces asparagine 718 with serine.
Molecular consequence: missense variant.
Genome position (GRCh38, 1-based): chr19:14,746,262, T>C on the plus strand (A>G on the coding strand, the complement: ADGRE2 is on the minus strand). VCF-style: chr19-14746262-T-C. GRCh37 (hg19) VCF-style: chr19-14857074-T-C.
Other names: c.1979A>G, p.Asn660Ser (NM_001271052.1); c.2006A>G, p.Asn669Ser (NM_152916.2); c.1874A>G, p.Asn625Ser (NM_152917.2); short protein forms N660S, N625S, N718S, N669S.
Identifiers: ClinVar variation 2020037 (VCV002020037.4), dbSNP rs772043754, ClinGen allele CA305693253.
Genomic context (GRCh38, chr19:14,746,262, plus strand): 5'-GTGTGGTTATCACCCCCTTCTCCATCTTACCTTGTGTTCCGGAGGGTGGACACTTCACTA[T>C]TGAGGGAGGAGAGTCTGTTTTTCAAAATCCAGAGAGTCACCAGAAAGAGAACTAAATTCA-3'
Protein context (NP_038475.2, residues 708-728): WILKNRLSSL[Asn718Ser]SEVSTLRNTR